The following is an entry in ClinVar:

NM_153704.6(TMEM67):c.1439A>G (p.Asn480Ser)

Gene: TMEM67 (transmembrane protein 67; plus strand). Cytogenetic location: 8q22.1.
Variant type: single nucleotide variant.
Coding change: c.1439A>G on transcript NM_153704.6 (MANE Select); coding-DNA position 1439, A replaced by G.
Protein change: p.Asn480Ser; replaces asparagine 480 with serine.
Molecular consequence: missense variant. On other transcripts: non-coding transcript variant (1).
Genome position (GRCh38, 1-based): chr8:93,787,870, A>G. VCF-style: chr8-93787870-A-G. GRCh37 (hg19) VCF-style: chr8-94800098-A-G.
Other names: c.1196A>G, p.Asn399Ser (NM_001142301.1); short protein forms N399S, N480S.
Identifiers: ClinVar variation 3356178 (VCV003356178.1).
Genomic context (GRCh38, chr8:93,787,870, plus strand): 5'-ACTGATTACTATAAATGCATTTTCTTTTAAATAGTGTCCACCTTGTACCCAACACAATAA[A>G]TGGAAACATCTACCCTCCCTTAATCACCATTGCCTACAGTGACATTGATATCAAAGATGC-3'
Protein context (NP_714915.3, residues 470-490): LSVHLVPNTI[Asn480Ser]GNIYPPLITI

ClinVar aggregate classification (germline): Uncertain significance (0 of 4 stars; one submission).

Conditions:
TMEM67-related disorder. Also called: TMEM67-related condition; TMEM67-related disorders. Identifiers: MedGen CN239423.

gnomAD v4.1: 5 of 1,613,874 alleles (0.00031%); highest among the groups gnomAD compares: African/African-American, 0.0027%; no homozygotes.

Submission:

PreventionGenetics, part of Exact Sciences
Classification: Uncertain significance for TMEM67-related condition. Last evaluated: 2024-08-09. Review status: no assertion criteria provided. Collection method: clinical testing. Allele origin: germline.
Comment: The TMEM67 c.1439A>G variant is predicted to result in the amino acid substitution p.Asn480Ser. To our knowledge, this variant has not been reported in the literature. This variant is reported in 0.0080% of alleles in individuals of African descent in gnomAD. At this time, the clinical significance of this variant is uncertain due to the absence of conclusive functional and genetic evidence.